The following is an entry in ClinVar:

NM_001077415.3(CRELD1):c.746G>A (p.Cys249Tyr)

Gene: CRELD1 (CRELD disulfide isomerase 1; plus strand). Cytogenetic location: 3p25.3.
Variant type: single nucleotide variant.
Coding change: c.746G>A on transcript NM_001077415.3 (MANE Select); coding-DNA position 746, G replaced by A.
Protein change: p.Cys249Tyr; replaces cysteine 249 with tyrosine.
Molecular consequence: missense variant. On other transcripts: non-coding transcript variant (3), intron variant (2).
Genome position (GRCh38, 1-based): chr3:9,942,825, G>A. VCF-style: chr3-9942825-G-A. GRCh37 (hg19) VCF-style: chr3-9984509-G-A.
Other names: c.746G>A, p.Cys249Tyr (NM_001031717.4, NM_001374316.1, NM_001374317.1 and 3 more transcripts); c.734-252G>A (NM_001374319.1, NM_001374320.1); short protein forms C249Y.
Identifiers: ClinVar variation 5019138 (VCV005019138.1).

ClinVar aggregate classification (germline): Likely pathogenic (1 of 4 stars; one submission).

Conditions:
Jeffries-Lakhani neurodevelopmental syndrome. Identifiers: MedGen C5935596, MONDO:0958329, OMIM 620771.

gnomAD v4.1: 2 of 1,613,910 alleles (0.00012%); highest among the groups gnomAD compares: Non-Finnish European, 0.00017%; no homozygotes.

Submission:

Juno Genomics, Hangzhou Juno Genomics, Inc
Classification: Likely pathogenic for Jeffries-Lakhani neurodevelopmental syndrome. Review status: criteria provided, single submitter. Criteria: ACMG Guidelines, 2015. Collection method: clinical testing. Allele origin: germline. Affected: yes.
Comment: Absent from controls (or at extremely low frequency if recessive) in Genome Aggregation Database.;Multiple lines of computational evidence support a deleterious effect on the gene or gene product.;For recessive disorders, detected in trans with a pathogenic variant.